The following is an entry in ClinVar:

ClinVar aggregate classification (germline): Pathogenic/Likely pathogenic. Review status: criteria provided, multiple submitters, no conflicts (2 of 4 stars). 4 submissions from 4 submitters: Pathogenic (1); Likely pathogenic (2). 1 of the submissions does not count toward it. Last evaluated 2025-11-28.

Conditions:
Anauxetic dysplasia. Identifiers: Orphanet 93347, MedGen C1846796, MONDO:0011773.
Metaphyseal chondrodysplasia, McKusick type (CHH). Also called: Cartilage-hair hypoplasia; Cartilage-Hair Hypoplasia (CHH). Identifiers: Orphanet 175, MedGen C0220748, MONDO:0009595, OMIM 250250.

Allele frequency attached by ClinVar (database versions not stated): TOPMed below 0.00001; gnomAD exomes 0.00001; gnomAD 0.00001.

Submissions (4):

Natera, Inc.
Classification: Likely pathogenic for Cartilage-hair hypoplasia. Last evaluated: 2025-11-28. Review status: criteria provided, single submitter. Criteria: Natera Variant Classification Schema (03/2026). Collection method: clinical testing. Allele origin: germline.
Comment: The n.-22_-4dupTACTCTGTGAAGCTGAGGA variant in RMRP is a duplication affecting the RMRP promoter region between the TATA box and the transcription initiation site. Other duplications and insertions just upstream of the transcription initiation site have been reported in individuals affected with cartilage-hair hypoplasia (PMID: 11207361, 17937437). This variant is rare in the general population with a frequency below the threshold expected for the associated phenotype(s). Given the available evidence, this variant is classified as Likely Pathogenic.

Labcorp Genetics (formerly Invitae), Labcorp
Classification: Pathogenic for Anauxetic dysplasia. Last evaluated: 2025-01-08. Review status: criteria provided, single submitter. Criteria: Invitae Variant Classification Sherloc (09022015). Collection method: clinical testing. Allele origin: germline.
Comment: This variant occurs in the RMRP gene, which encodes an RNA molecule that does not result in a protein product. This variant is present in population databases (no rsID available, gnomAD 0.002%). While this particular variant has not been reported in the literature, it is located in the promoter region between the TATA box and the transcription initiation site, and other insertions and duplications immediately upstream of the coding sequence have been reported in individuals affected with cartilage-hair hypoplasia-anauxetic dysplasia (CHH-AD) spectrum disorders (PMID: 16244706, 11207361, 12107819). ClinVar contains an entry for this variant (Variation ID: 555417). While functional studies for this variant have not been reported, experimental analyses using patient derived cells, as well as in vitro transfection studies, have shown that promoter insertions result in silencing of RMRP transcription and reduced expression of the gene product (PMID: 11207361, 16254002). For these reasons, this variant has been classified as Pathogenic.

Women's Health and Genetics/Laboratory Corporation of America, LabCorp
Classification: Likely pathogenic for Metaphyseal chondrodysplasia, McKusick type. Last evaluated: 2022-10-28. Review status: criteria provided, single submitter. Criteria: LabCorp Variant Classification Summary - May 2015. Collection method: clinical testing. Allele origin: germline.
Comment: Variant summary: RMRP n.-22_-4dup19 is located in the promoter region of the RMRP gene. Other insertions or duplications in the promoter region of RMRP have been classified as pathogenic (internally and in ClinVar). The variant was absent in 127922 control chromosomes (gnomAD). The available data on variant occurrences in the general population are insufficient to allow any conclusion about variant significance. To our knowledge, no occurrence of n.-22_-4dup19 in individuals affected with Cartilage-Hair Hypoplasia and no experimental evidence demonstrating its impact on protein function have been reported. Many other insertions or duplications in the promoter region of RMRP have been reported in affected individuals in the literature (e.g. PMIDs: 21956908, 21396580) and have been demonstrated through functional studies to lead to reduced RMRP transcription (e.g. PMIDs: 11207361, 16254002). Three clinical diagnostic laboratories have submitted clinical-significance assessments for this variant to ClinVar after 2014 without evidence for independent evaluation. All laboratories classified the variant as likely pathogenic. Based on the evidence outlined above, the variant was classified as likely pathogenic.

Counsyl
Classification: Likely pathogenic for Metaphyseal chondrodysplasia, McKusick type. Last evaluated: 2017-12-07. Review status: no assertion criteria provided. Collection method: clinical testing. Allele origin: unknown. Not counted in ClinVar's aggregate classification.

Literature cited by the submitters: PubMed 11207361 (cited by Natera, Inc. and Labcorp Genetics (formerly Invitae), Labcorp); PubMed 17937437 (cited by Natera, Inc.); PubMed 16244706 (cited by Labcorp Genetics (formerly Invitae), Labcorp); PubMed 12107819 (cited by Labcorp Genetics (formerly Invitae), Labcorp); PubMed 16254002 (cited by Labcorp Genetics (formerly Invitae), Labcorp).

NR_003051.3(RMRP):n.-22_-4dupTACTCTGTGAAGCTGAGGA

Gene: RMRP (RNA component of mitochondrial RNA processing endoribonuclease; minus strand). Cytogenetic location: 9p13.3.
Variant type: Duplication.
Genome position: GRCh38 VCF-style: chr9-35658021-G-GTCCTCAGCTTCACAGAGTA. GRCh37 (hg19) VCF-style: chr9-35658018-G-GTCCTCAGCTTCACAGAGTA.
Identifiers: ClinVar variation 555417 (VCV000555417.17), dbSNP rs1554651427, ClinGen allele CA587570197.
Genomic context (GRCh38, chr9:35,658,021, plus strand): 5'-AAGGGGAGGAACAGAGTCCTCAGTGTGTAGCCTAGGATACAGGCCTTCAGCACGAACCAC[G>GTCCTCAGCTTCACAGAGTA]TCCTCAGCTTCACAGAGTAGTATTTTATAGCCCTAAAGAAATTGTGTTTTATGATTAGGG-3'